The following is an entry in ClinVar:

NM_000260.4(MYO7A):c.2057G>A (p.Arg686His)

Gene: MYO7A (myosin VIIA; plus strand). Cytogenetic location: 11q13.5.
Variant type: single nucleotide variant.
Coding change: c.2057G>A on transcript NM_000260.4 (MANE Select); coding-DNA position 2057, G replaced by A.
Protein change: p.Arg686His; replaces arginine 686 with histidine.
Molecular consequence: missense variant.
Genome position (GRCh38, 1-based): chr11:77,174,877, G>A. VCF-style: chr11-77174877-G-A. GRCh37 (hg19) VCF-style: chr11-76885923-G-A.
Other names: c.2057G>A, p.Arg686His (NM_001127180.2); c.2024G>A, p.Arg675His (NM_001369365.1); short protein forms R686H, R675H.
Identifiers: ClinVar variation 306171 (VCV000306171.21), dbSNP rs781991817, ClinGen allele CA6197677.

ClinVar aggregate classification (germline): Conflicting classifications of pathogenicity. Review status: criteria provided, conflicting classifications (1 of 4 stars). 10 submissions from 8 submitters: Uncertain significance (6); Likely benign (2). 2 of the submissions do not count toward it. Last evaluated 2026-01-15.

Conditions:
Meniere disease. Also called: Ménière's disease. Identifiers: MedGen C0025281, MONDO:0007972, OMIM 156000.
Usher syndrome type 1B (USH1B). Also called: Usher syndrome type IB. Identifiers: MedGen C1848638, MONDO:0700087.
MYO7A-related disorder. Also called: MYO7A-related disorders.
Usher syndrome type 1 (USH1). Also called: RETINITIS PIGMENTOSA AND CONGENITAL DEAFNESS. Identifiers: Orphanet 231169, Orphanet 886, MedGen C1568247, MONDO:0010168, OMIM 276900.
Autosomal dominant nonsyndromic hearing loss 11. Identifiers: Orphanet 90635, MedGen C1832475, MONDO:0011032, OMIM 601317.
Autosomal recessive nonsyndromic hearing loss 2. Also called: NEUROSENSORY NONSYNDROMIC RECESSIVE DEAFNESS 2; DEAFNESS, AUTOSOMAL RECESSIVE 2. Identifiers: Orphanet 90636, MedGen C1838701, MONDO:0010807, OMIM 600060.

Allele frequency attached by ClinVar (database versions not stated): ExAC 0.00016; gnomAD exomes 0.00031; gnomAD 0.00036; TOPMed 0.00040.
gnomAD v4.1: 231 of 1,613,568 alleles (0.014%); highest among the groups gnomAD compares: Admixed American, 0.18%; 1 homozygote.

Submissions (10):

Labcorp Genetics (formerly Invitae), Labcorp
Classification: Likely benign. Last evaluated: 2026-01-15. Review status: criteria provided, single submitter. Criteria: Invitae Variant Classification Sherloc (09022015). Collection method: clinical testing. Allele origin: germline.

GeneDx
Classification: Uncertain significance. Last evaluated: 2025-09-23. Review status: criteria provided, single submitter. Criteria: GeneDx Variant Classification Process June 2021. Collection method: clinical testing. Allele origin: germline. Affected: yes.
Comment: Reported in association with Meniere's disease in published literature (PMID: 37022572, 30828346, 34391192); however, clinical and segregation information is limited; In silico analysis supports that this missense variant has a deleterious effect on protein structure/function; This variant is associated with the following publications: (PMID: 22135276, 30828346, 32483926, 37022572, 34391192)

Blueprint Genetics
Classification: Uncertain significance. Last evaluated: 2023-04-11. Review status: criteria provided, single submitter. Criteria: ACMG Guidelines, 2015. Collection method: clinical testing. Allele origin: germline.

Department of Pathology and Laboratory Medicine, Sinai Health System
Classification: Uncertain significance for Usher syndrome type 1; Autosomal recessive nonsyndromic hearing loss 2; Autosomal dominant nonsyndromic hearing loss 11. Last evaluated: 2021-07-30. Review status: criteria provided, single submitter. Criteria: ACMG Guidelines, 2015. Collection method: research. Allele origin: germline.

Otology & Neurotology- Genomics of vestibular disorders (CTS-495), Jose Antonio López Escámez, Centro Pfizer - Universidad de Granada - Junta de Andalucía de Genómica e Investigación Oncológica (GENYO)
Classification: Uncertain significance for Meniere disease. Last evaluated: 2020-12-14. Review status: criteria provided, single submitter. Criteria: ACMG Guidelines, 2015. Collection method: case-control. Allele origin: germline. Affected: yes. Observed: 2 heterozygotes. Clinical features observed: Sensorineural hearing loss (HP:0000407), Vertigo (HP:0002321), Tinnitus (HP:0000360).

Illumina Laboratory Services, Illumina
Classification: Likely benign for Autosomal dominant nonsyndromic hearing loss 11. Last evaluated: 2018-01-13. Review status: criteria provided, single submitter. Criteria: ICSL Variant Classification Criteria 13 December 2019. Collection method: clinical testing. Allele origin: germline.
Comment: This variant was observed in the ICSL laboratory as part of a predisposition screen in an ostensibly healthy population. It had not been previously curated by ICSL or reported in the Human Gene Mutation Database (HGMD: prior to June 1st, 2018), and was therefore a candidate for classification through an automated scoring system. Utilizing variant allele frequency, disease prevalence and penetrance estimates, and inheritance mode, an automated score was calculated to assess if this variant is too frequent to cause the disease. Based on the score and internal cut-off values, a variant classified as likely benign is not then subjected to further curation. The score for this variant resulted in a classification of likely benign for this disease.

Illumina Laboratory Services, Illumina
Classification: Uncertain significance for Usher syndrome type 1. Last evaluated: 2018-01-13. Review status: criteria provided, single submitter. Criteria: ICSL Variant Classification Criteria 13 December 2019. Collection method: clinical testing. Allele origin: germline.

Illumina Laboratory Services, Illumina
Classification: Uncertain significance for Autosomal recessive nonsyndromic hearing loss 2. Last evaluated: 2018-01-13. Review status: criteria provided, single submitter. Criteria: ICSL Variant Classification Criteria 13 December 2019. Collection method: clinical testing. Allele origin: germline.

PreventionGenetics, part of Exact Sciences
Classification: Likely benign for MYO7A-related condition. Last evaluated: 2024-09-20. Review status: no assertion criteria provided. Collection method: clinical testing. Allele origin: germline. Not counted in ClinVar's aggregate classification.
Comment: This variant is classified as likely benign based on ACMG/AMP sequence variant interpretation guidelines (Richards et al. 2015 PMID: 25741868, with internal and published modifications).

Natera, Inc.
Classification: Uncertain significance for Usher syndrome type 1B. Last evaluated: 2020-01-17. Review status: no assertion criteria provided. Collection method: clinical testing. Allele origin: germline. Not counted in ClinVar's aggregate classification.